The following is an entry in ClinVar:

NM_000179.3(MSH6):c.2574del (p.Leu859fs)

Gene: MSH6 (mutS homolog 6; plus strand). Cytogenetic location: 2p16.3.
Variant type: Deletion.
Coding change: c.2574del on transcript NM_000179.3 (MANE Select); coding-DNA position 2574, one base deleted (T; older notation c.2574delT).
Protein change: p.Leu859fs; shifts the reading frame from leucine 859.
Molecular consequence: frameshift variant.
Genome position (GRCh38, 1-based): chr2:47,800,557, T deleted; the last of 4 consecutive T bases (chr2:47,800,554-47,800,557); deleting any one gives the same sequence. VCF-style (leftmost placement, unchanged base first): chr2-47800553-AT-A. GRCh37 (hg19) VCF-style: chr2-48027692-AT-A.
Other names: c.2574delT (NM_000179.2); c.2184del, p.Leu729fs (NM_001281492.2); c.1668del, p.Leu557fs (NM_001281493.2, NM_001281494.2); short protein forms L557fs, L729fs, L859fs.
Identifiers: ClinVar variation 1457810 (VCV001457810.8), dbSNP rs1669483230, ClinGen allele CA2573135014.
Genomic context (GRCh38, chr2:47,800,553, plus strand): 5'-ACCCAGACAGCAGGGCTATAATGTATGAAGAAACTACATACAGCAAGAAGAAGATTATTG[AT>A]TTTCTTTCTGCTCTGGAAGGATTCAAAGTAATGTGTAAAATTATAGGGATCATGGAAGAA-3'

ClinVar aggregate classification (germline): Pathogenic. Review status: criteria provided, multiple submitters, no conflicts (2 of 4 stars). 3 submissions from 3 submitters: Pathogenic (3). Last evaluated 2024-11-08.

Conditions:
Hereditary nonpolyposis colorectal neoplasms. Identifiers: MedGen C0009405, MeSH D003123.
Hereditary cancer-predisposing syndrome. Also called: Neoplastic Syndromes, Hereditary; Hereditary Cancer Syndrome; Hereditary neoplastic syndrome; Tumor predisposition. Identifiers: Orphanet 140162, MedGen C0027672, MeSH D009386, MONDO:0015356.
Lynch syndrome 5 (LYNCH5). Also called: Colorectal cancer, hereditary nonpolyposis, type 5; Hereditary non-polyposis colorectal cancer, type 5. Identifiers: Orphanet 144, MedGen C1833477, MONDO:0013710, OMIM 614350. Disease mechanism: loss of function.

Submissions (3):

Ambry Genetics
Classification: Pathogenic for Hereditary cancer-predisposing syndrome. Last evaluated: 2024-11-08. Review status: criteria provided, single submitter. Criteria: Ambry Variant Classification Scheme 2023. Collection method: clinical testing. Allele origin: germline.
Comment: The c.2574delT pathogenic mutation, located in coding exon 4 of the MSH6 gene, results from a deletion of one nucleotide at nucleotide position 2574, causing a translational frameshift with a predicted alternate stop codon (p.L859Ffs*9). This variant has been observed in at least one individual with a personal and/or family history that is consistent with MSH6-related Lynch syndrome (Ambry internal data). This variant is considered to be rare based on population cohorts in the Genome Aggregation Database (gnomAD). This alteration is expected to result in loss of function by premature protein truncation or nonsense-mediated mRNA decay. As such, this alteration is interpreted as a disease-causing mutation.

Myriad Genetics, Inc.
Classification: Pathogenic for Lynch syndrome 5. Last evaluated: 2023-08-17. Review status: criteria provided, single submitter. Criteria: Myriad Autosomal Dominant, Autosomal Recessive and X-Linked Classification Criteria (2023). Collection method: clinical testing. Allele origin: unknown.
Comment: This variant is considered pathogenic. This variant creates a frameshift predicted to result in premature protein truncation.

Labcorp Genetics (formerly Invitae), Labcorp
Classification: Pathogenic for Hereditary nonpolyposis colorectal neoplasms. Last evaluated: 2021-03-12. Review status: criteria provided, single submitter. Criteria: Invitae Variant Classification Sherloc (09022015). Collection method: clinical testing. Allele origin: germline.
Comment: For these reasons, this variant has been classified as Pathogenic. This variant has not been reported in the literature in individuals with MSH6-related conditions. This variant is not present in population databases (ExAC no frequency). This sequence change creates a premature translational stop signal (p.Leu859Phefs*9) in the MSH6 gene. It is expected to result in an absent or disrupted protein product. Loss-of-function variants in MSH6 are known to be pathogenic (PMID: 18269114, 24362816).

Literature cited by the submitters: PubMed 18269114 (cited by Labcorp Genetics (formerly Invitae), Labcorp); PubMed 24362816 (cited by Labcorp Genetics (formerly Invitae), Labcorp).